The following is an entry in ClinVar:

NM_001377265.1(MAPT):c.697C>T (p.Leu233Phe)

Gene: MAPT (microtubule associated protein tau). Cytogenetic location: 17q21.31.
Variant type: single nucleotide variant.
Coding change: c.697C>T on transcript NM_001377265.1 (MANE Select); coding-DNA position 697, C replaced by T.
Protein change: p.Leu233Phe; replaces leucine 233 with phenylalanine.
Molecular consequence: missense variant. On other transcripts: intron variant (8).
Genome position (GRCh38, 1-based): chr17:45,983,276, C>T. VCF-style: chr17-45983276-C-T. GRCh37 (hg19) VCF-style: chr17-44060642-C-T.
Other names: c.200-3764C>T (NM_001377268.1, NM_016834.5, NM_016841.5); c.374-3764C>T (NM_005910.6, NM_001203252.2); c.287-3764C>T (NM_001123067.4, NM_001203251.2, NM_001377267.1); c.472C>T, p.Leu158Phe (NM_001123066.4, NM_016835.5); c.697C>T, p.Leu233Phe (NM_001377266.1); short protein forms L158F, L233F.
Identifiers: ClinVar variation 3731232 (VCV003731232.2).

ClinVar aggregate classification (germline): Uncertain significance (1 of 4 stars; one submission).

gnomAD v4.1: 1 of 1,598,892 alleles (0.000063%); highest among the groups gnomAD compares: Non-Finnish European, 0.000085%; no homozygotes.

Submission:

GeneDx
Classification: Uncertain significance. Last evaluated: 2026-01-30. Review status: criteria provided, single submitter. Criteria: GeneDx Variant Classification Process June 2021. Collection method: clinical testing. Allele origin: germline.
Comment: Reported using an alternate transcript of the gene; Not observed at significant frequency in large population cohorts (gnomAD); In silico analysis suggests that this missense variant does not alter protein structure/function; Has not been previously published as pathogenic or benign to our knowledge